The following is an entry in ClinVar:

ClinVar aggregate classification (germline): Uncertain significance (1 of 4 stars; one submission).

Conditions:
Cardiovascular phenotype. Identifiers: MedGen CN230736.

Submission:

Ambry Genetics
Classification: Uncertain significance for Cardiovascular phenotype. Last evaluated: 2026-07-07. Review status: criteria provided, single submitter. Criteria: Ambry Variant Classification Scheme 2023. Collection method: clinical testing. Allele origin: germline.
Comment: The p.I926V variant (also known as c.2776A>G), located in coding exon 11 of the RBM20 gene, results from an A to G substitution at nucleotide position 2776. The isoleucine at codon 926 is replaced by valine, an amino acid with highly similar properties. This amino acid position is conserved. In addition, this alteration is predicted to be tolerated by in silico analysis. Based on the available evidence, the clinical significance of this variant remains unclear.

NM_001134363.3(RBM20):c.2776A>G (p.Ile926Val)

Gene: RBM20 (RNA binding motif protein 20; plus strand). Cytogenetic location: 10q25.2.
Variant type: single nucleotide variant.
Coding change: c.2776A>G on transcript NM_001134363.3 (MANE Select); coding-DNA position 2776, A replaced by G.
Protein change: p.Ile926Val; replaces isoleucine 926 with valine.
Molecular consequence: missense variant.
Genome position (GRCh38, 1-based): chr10:110,821,395, A>G. VCF-style: chr10-110821395-A-G. GRCh37 (hg19) VCF-style: chr10-112581153-A-G.
Other names: short protein forms I926V.
Identifiers: ClinVar variation 5028014 (VCV005028014.1).